The following is an entry in ClinVar:

ClinVar aggregate classification (germline): Uncertain significance (1 of 4 stars; one submission).

Submission:

GeneDx
Classification: Uncertain significance. Last evaluated: 2024-03-04. Review status: criteria provided, single submitter. Criteria: GeneDx Variant Classification Process June 2021. Collection method: clinical testing. Allele origin: germline. Affected: yes.
Comment: Not observed at significant frequency in large population cohorts (gnomAD); In silico analysis supports that this missense variant does not alter protein structure/function; Has not been previously published as pathogenic or benign to our knowledge

NM_013275.6(ANKRD11):c.1963A>G (p.Lys655Glu)

Gene: ANKRD11 (ankyrin repeat domain containing 11; minus strand). Cytogenetic location: 16q24.3.
Variant type: single nucleotide variant.
Coding change: c.1963A>G on transcript NM_013275.6 (MANE Select); coding-DNA position 1963, A replaced by G.
Protein change: p.Lys655Glu; replaces lysine 655 with glutamic acid.
Molecular consequence: missense variant.
Genome position (GRCh38, 1-based): chr16:89,284,579, T>C on the plus strand (A>G on the coding strand, the complement: ANKRD11 is on the minus strand). VCF-style: chr16-89284579-T-C. GRCh37 (hg19) VCF-style: chr16-89350987-T-C.
Other names: c.1963A>G, p.Lys655Glu (NM_001256182.2, NM_001256183.2); short protein forms K655E.
Identifiers: ClinVar variation 3373565 (VCV003373565.1).